The following is an entry in ClinVar:

NM_002485.5(NBN):c.1776G>T (p.Arg592Ser)

Gene: NBN (nibrin; minus strand). Cytogenetic location: 8q21.3.
Variant type: single nucleotide variant.
Coding change: c.1776G>T on transcript NM_002485.5 (MANE Select); coding-DNA position 1776, G replaced by T.
Protein change: p.Arg592Ser; replaces arginine 592 with serine.
Molecular consequence: missense variant.
Genome position (GRCh38, 1-based): chr8:89,953,313, C>A on the plus strand (G>T on the coding strand, the complement: NBN is on the minus strand). VCF-style: chr8-89953313-C-A. GRCh37 (hg19) VCF-style: chr8-90965541-C-A.
Other names: c.1530G>T, p.Arg510Ser (NM_001024688.3); short protein forms R592S, R510S.
Identifiers: ClinVar variation 461522 (VCV000461522.9), dbSNP rs1554558244, ClinGen allele CA371655116.

ClinVar aggregate classification (germline): Uncertain significance. Review status: criteria provided, multiple submitters, no conflicts (2 of 4 stars). 2 submissions from 2 submitters: Uncertain significance (2). Last evaluated 2024-09-27.

Conditions:
Hereditary cancer-predisposing syndrome. Also called: Hereditary neoplastic syndrome; Neoplastic Syndromes, Hereditary; Tumor predisposition; Hereditary Cancer Syndrome. Identifiers: Orphanet 140162, MedGen C0027672, MeSH D009386, MONDO:0015356.
Microcephaly, normal intelligence and immunodeficiency (NBS). Also called: IMMUNODEFICIENCY, MICROCEPHALY, AND CHROMOSOMAL INSTABILITY; SEEMANOVA SYNDROME II; Nijmegen breakage syndrome; Microcephaly with normal intelligence immunodeficiency and lymphoreticular malignancies; Nonsyndromal microcephaly autosomal recessive with normal intelligence; Seemanova syndrome 2. Identifiers: Orphanet 647, MedGen C0398791, MONDO:0009623, OMIM 251260.

Submissions (2):

Ambry Genetics
Classification: Uncertain significance for Hereditary cancer-predisposing syndrome. Last evaluated: 2024-09-27. Review status: criteria provided, single submitter. Criteria: Ambry Variant Classification Scheme 2023. Collection method: clinical testing. Allele origin: germline.
Comment: The p.R592S variant (also known as c.1776G>T), located in coding exon 11 of the NBN gene, results from a G to T substitution at nucleotide position 1776. The arginine at codon 592 is replaced by serine, an amino acid with dissimilar properties. This amino acid position is conserved. In addition, this alteration is predicted to be tolerated by in silico analysis. Based on the available evidence, the clinical significance of this variant remains unclear.

Labcorp Genetics (formerly Invitae), Labcorp
Classification: Uncertain significance for Microcephaly, normal intelligence and immunodeficiency. Last evaluated: 2017-05-23. Review status: criteria provided, single submitter. Criteria: Invitae Variant Classification Sherloc (09022015). Collection method: clinical testing. Allele origin: germline.
Comment: This sequence change replaces arginine with serine at codon 592 of the NBN protein (p.Arg592Ser). The arginine residue is weakly conserved and there is a moderate physicochemical difference between arginine and serine. This variant is not present in population databases (ExAC no frequency). In summary, this variant has uncertain impact on NBN function. The available evidence is currently insufficient to determine its role in disease. Therefore, it has been classified as a Variant of Uncertain Significance. Algorithms developed to predict the effect of missense changes on protein structure and function (SIFT, PolyPhen-2, Align-GVGD) all suggest that this variant is likely to be tolerated, but these predictions have not been confirmed by published functional studies and their clinical significance is uncertain. This variant has not been reported in the literature in individuals with a NBN-related disease.